The following is an entry in ClinVar:

NM_001048174.2(MUTYH):c.132G>T (p.Pro44=)

Gene: MUTYH (mutY DNA glycosylase; minus strand). Cytogenetic location: 1p34.1.
Variant type: single nucleotide variant.
Coding change: c.132G>T on transcript NM_001048174.2 (MANE Select); coding-DNA position 132, G replaced by T.
Protein change: p.Pro44=; no amino-acid change (proline 44 retained).
Molecular consequence: synonymous variant. On other transcripts: 5 prime UTR variant (1), non-coding transcript variant (5), intron variant (5).
Genome position (GRCh38, 1-based): chr1:45,333,545, C>A on the plus strand (G>T on the coding strand, the complement: MUTYH is on the minus strand). VCF-style: chr1-45333545-C-A. GRCh37 (hg19) VCF-style: chr1-45799217-C-A.
Other names: c.132G>T, p.Pro44= (NM_001048171.2, NM_001048173.2, NM_001293195.2 and 6 more transcripts); c.135G>T, p.Pro45= (NM_001048172.2, NM_001407071.1, NM_001407078.1 and 2 more transcripts); c.216G>T, p.Pro72= (NM_001128425.2); c.177G>T, p.Pro59= (NM_001293190.2); c.165G>T, p.Pro55= (NM_001293191.2, NM_001407077.1); c.-140G>T (NM_001350650.2); c.207G>T, p.Pro69= (NM_001407069.1, NM_012222.3); c.174G>T, p.Pro58= (NM_001407073.1, NM_001407083.1, NM_001407085.1); and 4 more.
Identifiers: ClinVar variation 2034620 (VCV002034620.4), dbSNP rs144551668, ClinGen allele CA417702195.
Genomic context (GRCh38, chr1:45,333,545, plus strand): 5'-TTCAGCTACGTCTCTGAATAGATGGTATGAGGAGACAGAGGCCTGCAATACCACCTCTTC[C>A]GGCTGCCTGGCCAGGCCTGCTGGGGCCCCAGGACACTCAGCAATCATCCCTGCACAGGCT-3'
Protein context (NP_001041639.1, residues 34-54): PSACDGLARQ[Pro44=]EEVVLQASVS

ClinVar aggregate classification (germline): Uncertain significance (1 of 4 stars; one submission).

Conditions:
Familial adenomatous polyposis 2. Also called: COLORECTAL ADENOMATOUS POLYPOSIS, AUTOSOMAL RECESSIVE; ADENOMAS, MULTIPLE COLORECTAL, AUTOSOMAL RECESSIVE; Adenomas, multiple colorectal; MYH-associated polyposis; MUTYH-associated polyposis; MUTYH-related attenuated familial adenomatous polyposis. Identifiers: Orphanet 220460, Orphanet 247798, MedGen C3272841, MONDO:0012041, OMIM 608456.

Submission:

Labcorp Genetics (formerly Invitae), Labcorp
Classification: Uncertain significance for Familial adenomatous polyposis 2. Last evaluated: 2022-10-07. Review status: criteria provided, single submitter. Criteria: Invitae Variant Classification Sherloc (09022015). Collection method: clinical testing. Allele origin: germline.
Comment: In summary, the available evidence is currently insufficient to determine the role of this variant in disease. Therefore, it has been classified as a Variant of Uncertain Significance. Studies have shown that this variant is associated with altered splicing resulting in unknown protein product impact (Invitae). This variant has not been reported in the literature in individuals affected with MUTYH-related conditions. This variant is not present in population databases (gnomAD no frequency). This sequence change affects codon 72 of the MUTYH mRNA. It is a 'silent' change, meaning that it does not change the encoded amino acid sequence of the MUTYH protein.